The following is an entry in ClinVar:

ClinVar aggregate classification (germline): Uncertain significance. Review status: criteria provided, multiple submitters, no conflicts (2 of 4 stars). 6 submissions from 4 submitters: Uncertain significance (6). Last evaluated 2025-11-03.

Conditions:
Odonto-onycho-dermal dysplasia. Identifiers: Orphanet 2721, MedGen C0796093, MONDO:0009773, OMIM 257980.
Tooth agenesis, selective, 4 (STHAG4). Also called: SUCCEDANEOUS TEETH, AGENESIS OF; TOOTH AGENESIS, SELECTIVE, 4, WITH OR WITHOUT ECTODERMAL DYSPLASIA; LATERAL INCISORS, ABSENCE OF; LATERAL INCISORS, PEGGED OR MISSING. Identifiers: Orphanet 99798, MedGen C1835492, MONDO:0007881, OMIM 150400. Disease mechanism: loss of function.
Inborn genetic diseases. Identifiers: MedGen C0950123, MeSH D030342.
Schöpf-Schulz-Passarge syndrome. Also called: KERATOSIS PALMOPLANTARIS WITH CYSTIC EYELIDS, HYPODONTIA, AND HYPOTRICHOSIS; SchC6pf-Schulz-Passarge syndrome; ECCRINE TUMORS WITH ECTODERMAL DYSPLASIA. Identifiers: Orphanet 50944, MedGen C1857069, MONDO:0009145, OMIM 224750.

Allele frequency attached by ClinVar (database versions not stated): gnomAD 0.00001; TOPMed 0.00003; gnomAD exomes 0.00006; ExAC 0.00007.
gnomAD v4.1: 86 of 1,614,046 alleles (0.0053%); highest among the groups gnomAD compares: Non-Finnish European, 0.0069%; no homozygotes.

Submissions (6):

Ambry Genetics
Classification: Uncertain significance for Inborn genetic diseases. Last evaluated: 2025-11-03. Review status: criteria provided, single submitter. Criteria: Ambry Variant Classification Scheme 2023. Collection method: clinical testing. Allele origin: germline.

Labcorp Genetics (formerly Invitae), Labcorp
Classification: Uncertain significance for Tooth agenesis, selective, 4; Odonto-onycho-dermal dysplasia. Last evaluated: 2025-06-01. Review status: criteria provided, single submitter. Criteria: Invitae Variant Classification Sherloc (09022015). Collection method: clinical testing. Allele origin: germline.
Comment: This sequence change replaces arginine, which is basic and polar, with cysteine, which is neutral and slightly polar, at codon 176 of the WNT10A protein (p.Arg176Cys). This variant is present in population databases (rs754010310, gnomAD 0.009%). This missense change has been observed in individual(s) with clinical features of WNT10A-related conditions (internal data). In at least one individual the data is consistent with being in trans (on the opposite chromosome) from a pathogenic variant. ClinVar contains an entry for this variant (Variation ID: 896321). Invitae Evidence Modeling of protein sequence and biophysical properties (such as structural, functional, and spatial information, amino acid conservation, physicochemical variation, residue mobility, and thermodynamic stability) indicates that this missense variant is not expected to disrupt WNT10A protein function with a negative predictive value of 95%. In summary, the available evidence is currently insufficient to determine the role of this variant in disease. Therefore, it has been classified as a Variant of Uncertain Significance.

Blueprint Genetics
Classification: Uncertain significance. Last evaluated: 2024-11-05. Review status: criteria provided, single submitter. Criteria: ACMG Guidelines, 2015. Collection method: clinical testing. Allele origin: germline.

Illumina Laboratory Services, Illumina
Classification: Uncertain significance for Odonto-onycho-dermal dysplasia. Last evaluated: 2017-08-31. Review status: criteria provided, single submitter. Criteria: ICSL Variant Classification Criteria 13 December 2019. Collection method: clinical testing. Allele origin: germline.

Illumina Laboratory Services, Illumina
Classification: Uncertain significance for Tooth agenesis, selective, 4. Last evaluated: 2017-08-31. Review status: criteria provided, single submitter. Criteria: ICSL Variant Classification Criteria 13 December 2019. Collection method: clinical testing. Allele origin: germline.

Illumina Laboratory Services, Illumina
Classification: Uncertain significance for Schöpf-Schulz-Passarge syndrome. Last evaluated: 2017-08-31. Review status: criteria provided, single submitter. Criteria: ICSL Variant Classification Criteria 13 December 2019. Collection method: clinical testing. Allele origin: germline.

NM_025216.3(WNT10A):c.526C>T (p.Arg176Cys)

Gene: WNT10A (Wnt family member 10A; plus strand). Cytogenetic location: 2q35.
Variant type: single nucleotide variant.
Coding change: c.526C>T on transcript NM_025216.3 (MANE Select); coding-DNA position 526, C replaced by T.
Protein change: p.Arg176Cys; replaces arginine 176 with cysteine.
Molecular consequence: missense variant.
Genome position (GRCh38, 1-based): chr2:218,890,133, C>T. VCF-style: chr2-218890133-C-T. GRCh37 (hg19) VCF-style: chr2-219754855-C-T.
Other names: short protein forms R176C.
Identifiers: ClinVar variation 896321 (VCV000896321.8), dbSNP rs754010310, ClinGen allele CA2113961.